The following is an entry in ClinVar:

ClinVar aggregate classification (germline): Uncertain significance. Review status: criteria provided, multiple submitters, no conflicts (2 of 4 stars). 2 submissions from 2 submitters: Uncertain significance (2). Last evaluated 2024-05-21.

Conditions:
Autosomal dominant nonsyndromic hearing loss 17. Also called: Deafness, autosomal dominant 17; Autosomal dominant nonsyndromic deafness 17. Identifiers: Orphanet 90635, MedGen C1863659, MONDO:0011350, OMIM 603622.
Macrothrombocytopenia and granulocyte inclusions with or without nephritis or sensorineural hearing loss (MATINS). Also called: MYH9-Related Disease (MYH9-RD); Fechtner syndrome; Epstein syndrome; Giant platelet syndrome with thrombocytopenia; SEBASTIAN PLATELET SYNDROME; MACROTHROMBOCYTOPENIA WITH DISPERSED LEUKOCYTIC INCLUSIONS. Identifiers: Orphanet 182050, MedGen C5200934, MONDO:0015912, OMIM 155100.

gnomAD v4.1: 4 of 1,614,160 alleles (0.00025%); highest among the groups gnomAD compares: East Asian, 0.0022%; no homozygotes.

Submissions (2):

Fulgent Genetics
Classification: Uncertain significance for Macrothrombocytopenia and granulocyte inclusions with or without nephritis or sensorineural hearing loss; Autosomal dominant nonsyndromic hearing loss 17. Last evaluated: 2024-05-21. Review status: criteria provided, single submitter. Criteria: ACMG Guidelines, 2015. Collection method: clinical testing. Allele origin: germline.

GeneDx
Classification: Uncertain significance. Last evaluated: 2024-05-20. Review status: criteria provided, single submitter. Criteria: GeneDx Variant Classification Process June 2021. Collection method: clinical testing. Allele origin: germline. Affected: yes.
Comment: Not observed at significant frequency in large population cohorts (gnomAD); In silico analysis supports that this missense variant has a deleterious effect on protein structure/function; Has not been previously published as pathogenic or benign to our knowledge

NM_002473.6(MYH9):c.1099G>A (p.Asp367Asn)

Gene: MYH9 (myosin heavy chain 9; minus strand). Cytogenetic location: 22q12.3.
Variant type: single nucleotide variant.
Coding change: c.1099G>A on transcript NM_002473.6 (MANE Select); coding-DNA position 1099, G replaced by A.
Protein change: p.Asp367Asn; replaces aspartic acid 367 with asparagine.
Molecular consequence: missense variant.
Genome position (GRCh38, 1-based): chr22:36,319,549, C>T on the plus strand (G>A on the coding strand, the complement: MYH9 is on the minus strand). VCF-style: chr22-36319549-C-T. GRCh37 (hg19) VCF-style: chr22-36715594-C-T.
Other names: short protein forms D367N.
Identifiers: ClinVar variation 3381588 (VCV003381588.2).
Genomic context (GRCh38, chr22:36,319,549, plus strand): 5'-CATGGCCAAGCACCTGCCCCATTATTTCCAGCGAGAGGCCCCGGGTGTTACCTGTGTTGT[C>T]GGGCATGGACGCCTGGTCAGTGTTCCGCTCCTTCTTGAAGACGATGTTGCCGAGCTGAAG-3'
Protein context (NP_002464.1, residues 357-377): ERNTDQASMP[Asp367Asn]NTAAQKVSHL